The following is an entry in ClinVar:

ClinVar aggregate classification (germline): Uncertain significance (1 of 4 stars; one submission).

Conditions:
Inborn genetic diseases. Identifiers: MedGen C0950123, MeSH D030342.

Submission:

Ambry Genetics
Classification: Uncertain significance for Inborn genetic diseases. Last evaluated: 2023-10-13. Review status: criteria provided, single submitter. Criteria: Ambry Variant Classification Scheme 2023. Collection method: clinical testing. Allele origin: germline.
Comment: The p.M1175I variant (also known as c.3525G>A), located in coding exon 18 of the ATR gene, results from a G to A substitution at nucleotide position 3525. The methionine at codon 1175 is replaced by isoleucine, an amino acid with highly similar properties. This amino acid position is conserved. In addition, the in silico prediction for this alteration is inconclusive. Since supporting evidence is limited at this time, the clinical significance of this alteration remains unclear.

NM_001184.4(ATR):c.3525G>A (p.Met1175Ile)

Gene: ATR (ATR checkpoint kinase; minus strand). Cytogenetic location: 3q23.
Variant type: single nucleotide variant.
Coding change: c.3525G>A on transcript NM_001184.4 (MANE Select); coding-DNA position 3525, G replaced by A.
Protein change: p.Met1175Ile; replaces methionine 1175 with isoleucine.
Molecular consequence: missense variant.
Genome position (GRCh38, 1-based): chr3:142,540,960, C>T on the plus strand (G>A on the coding strand, the complement: ATR is on the minus strand). VCF-style: chr3-142540960-C-T. GRCh37 (hg19) VCF-style: chr3-142259802-C-T.
Other names: c.3333G>A, p.Met1111Ile (NM_001354579.2); short protein forms M1111I, M1175I.
Identifiers: ClinVar variation 1732302 (VCV001732302.2), dbSNP rs2108438175, ClinGen allele CA354807811.
Genomic context (GRCh38, chr3:142,540,960, plus strand): 5'-TTACCTGCAACACAATTCAGGAAAATCATCCTTGAATCGAAGGCCAGTTCTCAGTGTGGT[C>T]ATCATCTTCACCCTCACAGAACTGACATGTTTGGGTCCCATTAACTTCATCAAAGACATC-3'
Protein context (NP_001175.2, residues 1165-1185): KHVSSVRVKM[Met1175Ile]TTLRTGLRFK